The following is an entry in ClinVar:

ClinVar aggregate classification (germline): Uncertain significance. Review status: criteria provided, multiple submitters, no conflicts (2 of 4 stars). 2 submissions from 2 submitters: Uncertain significance (2). Last evaluated 2025-06-06.

Conditions:
Renal cell carcinoma. Identifiers: Orphanet 217071, MedGen C0007134, MeSH D002292, MONDO:0005086, HP:0005584.
Hereditary cancer-predisposing syndrome. Also called: Neoplastic Syndromes, Hereditary; Hereditary neoplastic syndrome; Tumor predisposition; Hereditary Cancer Syndrome. Identifiers: Orphanet 140162, MedGen C0027672, MeSH D009386, MONDO:0015356.

Allele frequency attached by ClinVar (database versions not stated): gnomAD exomes below 0.00001; ExAC 0.00001; gnomAD 0.00001; TOPMed 0.00001.
gnomAD v4.1: 4 of 1,608,172 alleles (0.00025%); highest among the groups gnomAD compares: African/African-American, 0.0041%; no homozygotes.

Submissions (2):

Ambry Genetics
Classification: Uncertain significance for Hereditary cancer-predisposing syndrome. Last evaluated: 2025-06-06. Review status: criteria provided, single submitter. Criteria: Ambry Variant Classification Scheme 2023. Collection method: clinical testing. Allele origin: germline.
Comment: The p.D882G variant (also known as c.2645A>G), located in coding exon 11 of the MET gene, results from an A to G substitution at nucleotide position 2645. The aspartic acid at codon 882 is replaced by glycine, an amino acid with similar properties. This amino acid position is conserved. In addition, this alteration is predicted to be tolerated by in silico analysis. Since supporting evidence is limited at this time, the clinical significance of this alteration remains unclear.

Labcorp Genetics (formerly Invitae), Labcorp
Classification: Uncertain significance for Renal cell carcinoma. Last evaluated: 2024-12-20. Review status: criteria provided, single submitter. Criteria: Invitae Variant Classification Sherloc (09022015). Collection method: clinical testing. Allele origin: germline.
Comment: This sequence change replaces aspartic acid, which is acidic and polar, with glycine, which is neutral and non-polar, at codon 882 of the MET protein (p.Asp882Gly). This variant is present in population databases (rs778309347, gnomAD 0.007%). This variant has not been reported in the literature in individuals affected with MET-related conditions. ClinVar contains an entry for this variant (Variation ID: 1395145). An algorithm developed to predict the effect of missense changes on protein structure and function (PolyPhen-2) suggests that this variant is likely to be tolerated. In summary, the available evidence is currently insufficient to determine the role of this variant in disease. Therefore, it has been classified as a Variant of Uncertain Significance.

NM_000245.4(MET):c.2591A>G (p.Asp864Gly)

Gene: MET (MET proto-oncogene, receptor tyrosine kinase; plus strand). Cytogenetic location: 7q31.2.
Variant type: single nucleotide variant.
Coding change: c.2591A>G on transcript NM_000245.4 (MANE Select); coding-DNA position 2591, A replaced by G.
Protein change: p.Asp864Gly; replaces aspartic acid 864 with glycine.
Molecular consequence: missense variant.
Genome position (GRCh38, 1-based): chr7:116,769,652, A>G. VCF-style: chr7-116769652-A-G. GRCh37 (hg19) VCF-style: chr7-116409706-A-G.
Other names: c.2645A>G (NM_001127500.1); c.2645A>G, p.Asp882Gly (NM_001127500.3); c.2591A>G, p.Asp864Gly (NM_001324401.3); c.1301A>G, p.Asp434Gly (NM_001324402.2); short protein forms D864G, D434G, D882G.
Identifiers: ClinVar variation 1395145 (VCV001395145.8), dbSNP rs778309347, ClinGen allele CA4448542.